The following is an entry in ClinVar:

ClinVar aggregate classification (germline): Likely benign. Review status: criteria provided, multiple submitters, no conflicts (2 of 4 stars). 2 submissions from 2 submitters: Likely benign (2). Last evaluated 2024-02-22.

Conditions:
Hypertrophic cardiomyopathy. Also called: HYPERTROPHIC MYOCARDIOPATHY. Identifiers: Orphanet 217569, MedGen C0007194, MeSH D002312, MONDO:0005045, HP:0001639.
Cardiomyopathy (CMYO). Also called: Cardiomyopathies. Identifiers: Orphanet 167848, MedGen C0878544, MONDO:0004994, HP:0001638. Inheritance: Various modes of inheritance.

Submissions (2):

All of Us Research Program, National Institutes of Health
Classification: Likely benign for Cardiomyopathy. Last evaluated: 2024-02-22. Review status: criteria provided, single submitter. Criteria: ACMG Guidelines, 2015. Collection method: clinical testing. Allele origin: germline. Inheritance: Autosomal dominant inheritance. Observed: 1 variant allele, 1 heterozygote.
Comment: This study involves interpretation of variants in research participants for the purpose of population health screening. Participant phenotype was not available at the time of variant classification. Additional details can be found in publication PMID: 35346344, PMCID: PMC8962531

Labcorp Genetics (formerly Invitae), Labcorp
Classification: Likely benign for Hypertrophic cardiomyopathy. Last evaluated: 2023-05-13. Review status: criteria provided, single submitter. Criteria: Invitae Variant Classification Sherloc (09022015). Collection method: clinical testing. Allele origin: germline.

NM_000257.4(MYH7):c.1782G>T (p.Leu594=)

Gene: MYH7 (myosin heavy chain 7; minus strand). Cytogenetic location: 14q11.2.
Variant type: single nucleotide variant.
Coding change: c.1782G>T on transcript NM_000257.4 (MANE Select); coding-DNA position 1782, G replaced by T.
Protein change: p.Leu594=; no amino-acid change (leucine 594 retained).
Molecular consequence: synonymous variant.
Genome position (GRCh38, 1-based): chr14:23,427,691, C>A on the plus strand (G>T on the coding strand, the complement: MYH7 is on the minus strand). VCF-style: chr14-23427691-C-A. GRCh37 (hg19) VCF-style: chr14-23896900-C-A.
Other names: c.1782G>T, p.Leu594= (NM_001407004.1).
Identifiers: ClinVar variation 2974139 (VCV002974139.4), dbSNP rs1892749040, ClinGen allele CA485767250.